The following is an entry in ClinVar:

NM_001318895.3(FHL2):c.218A>G (p.Asn73Ser)

Genes: C2orf49 (chromosome 2 open reading frame 49; plus strand), FHL2 (four and a half LIM domains 2; minus strand). Cytogenetic location: 2q12.2.
Variant type: single nucleotide variant.
Coding change: c.218A>G on transcript NM_001318895.3 (MANE Select); coding-DNA position 218, A replaced by G.
Protein change: p.Asn73Ser; replaces asparagine 73 with serine.
Molecular consequence: missense variant. On other transcripts: 5 prime UTR variant (1), intron variant (2).
Genome position (GRCh38, 1-based): chr2:105,373,672, T>C on the plus strand (A>G on the coding strand, the complement: FHL2 is on the minus strand). VCF-style: chr2-105373672-T-C. GRCh37 (hg19) VCF-style: chr2-105990129-T-C.
Other names: c.218A>G (NM_201555.1); c.218A>G, p.Asn73Ser (NM_001039492.3, NM_001318894.1, NM_001318896.2 and 4 more transcripts); c.-107A>G (NM_001318899.2); c.-11-5933A>G (NM_001318897.2, NM_001318898.2); short protein forms N73S.
Identifiers: ClinVar variation 2198087 (VCV002198087.6), dbSNP rs1217761513, ClinGen allele CA348002163.

ClinVar aggregate classification (germline): Uncertain significance. Review status: criteria provided, single submitter (1 of 4 stars). 2 submissions from 2 submitters: Uncertain significance (1). 1 of the submissions does not count toward it. Last evaluated 2024-08-19.

Conditions:
Primary dilated cardiomyopathy (DCM). Also called: Dilated Cardiomyopathy. Identifiers: Orphanet 217604, MedGen C0007193, MeSH D002311, MONDO:0005021, HP:0001644. Inheritance: Various modes of inheritance.
FHL2-related disorder. Also called: FHL2-related condition.

Allele frequency attached by ClinVar (database versions not stated): gnomAD 0.00001; gnomAD exomes 0.00001.
gnomAD v4.1: 8 of 1,613,774 alleles (0.0005%); highest among the groups gnomAD compares: Non-Finnish European, 0.00068%; no homozygotes.

Submissions (2):

Labcorp Genetics (formerly Invitae), Labcorp
Classification: Uncertain significance for Primary dilated cardiomyopathy. Last evaluated: 2024-08-19. Review status: criteria provided, single submitter. Criteria: Invitae Variant Classification Sherloc (09022015). Collection method: clinical testing. Allele origin: germline.
Comment: This sequence change replaces asparagine, which is neutral and polar, with serine, which is neutral and polar, at codon 73 of the FHL2 protein (p.Asn73Ser). This variant is present in population databases (no rsID available, gnomAD 0.002%). This variant has not been reported in the literature in individuals affected with FHL2-related conditions. ClinVar contains an entry for this variant (Variation ID: 2198087). Invitae Evidence Modeling of protein sequence and biophysical properties (such as structural, functional, and spatial information, amino acid conservation, physicochemical variation, residue mobility, and thermodynamic stability) indicates that this missense variant is not expected to disrupt FHL2 protein function with a negative predictive value of 80%. In summary, the available evidence is currently insufficient to determine the role of this variant in disease. Therefore, it has been classified as a Variant of Uncertain Significance.

PreventionGenetics, part of Exact Sciences
Classification: Uncertain significance for FHL2-related condition. Last evaluated: 2023-12-27. Review status: no assertion criteria provided. Collection method: clinical testing. Allele origin: germline. Not counted in ClinVar's aggregate classification.
Comment: The FHL2 c.218A>G variant is predicted to result in the amino acid substitution p.Asn73Ser. To our knowledge, this variant has not been reported in the literature. This variant is reported in 0.0023% of alleles in individuals of European (Non-Finnish) descent in gnomAD. At this time, the clinical significance of this variant is uncertain due to the absence of conclusive functional and genetic evidence.